The following is an entry in ClinVar:

ClinVar aggregate classification (germline): Conflicting classifications of pathogenicity. Review status: criteria provided, conflicting classifications (1 of 4 stars). 2 submissions from 2 submitters: Uncertain significance (1); Likely benign (1). Last evaluated 2025-05-21.

Conditions:
Hereditary cancer-predisposing syndrome. Also called: Tumor predisposition; Neoplastic Syndromes, Hereditary; Hereditary neoplastic syndrome; Hereditary Cancer Syndrome. Identifiers: Orphanet 140162, MedGen C0027672, MeSH D009386, MONDO:0015356.

Allele frequency attached by ClinVar (database versions not stated): ExAC 0.00001; gnomAD exomes 0.00001.
gnomAD v4.1: 2 of 1,611,384 alleles (0.00012%); highest among the groups gnomAD compares: African/African-American, 0.0013%; no homozygotes.

Submissions (2):

Ambry Genetics
Classification: Likely benign for Hereditary cancer-predisposing syndrome. Last evaluated: 2025-05-21. Review status: criteria provided, single submitter. Criteria: Ambry Variant Classification Scheme 2023. Collection method: clinical testing. Allele origin: germline.

Labcorp Genetics (formerly Invitae), Labcorp
Classification: Uncertain significance. Last evaluated: 2021-10-12. Review status: criteria provided, single submitter. Criteria: Invitae Variant Classification Sherloc (09022015). Collection method: clinical testing. Allele origin: germline.
Comment: In summary, the available evidence is currently insufficient to determine the role of this variant in disease. Therefore, it has been classified as a Variant of Uncertain Significance. Algorithms developed to predict the effect of missense changes on protein structure and function are either unavailable or do not agree on the potential impact of this missense change (SIFT: "Deleterious"; PolyPhen-2: "Benign"; Align-GVGD: "Class C0"). ClinVar contains an entry for this variant (Variation ID: 851738). This variant has not been reported in the literature in individuals affected with CTNNA1-related conditions. The frequency data for this variant in the population databases is considered unreliable, as metrics indicate poor data quality at this position in the ExAC database. This sequence change replaces asparagine with serine at codon 365 of the CTNNA1 protein (p.Asn365Ser). The asparagine residue is highly conserved and there is a small physicochemical difference between asparagine and serine.

NM_001903.5(CTNNA1):c.1094A>G (p.Asn365Ser)

Gene: CTNNA1 (catenin alpha 1; plus strand). Cytogenetic location: 5q31.2.
Variant type: single nucleotide variant.
Coding change: c.1094A>G on transcript NM_001903.5 (MANE Select); coding-DNA position 1094, A replaced by G.
Protein change: p.Asn365Ser; replaces asparagine 365 with serine.
Molecular consequence: missense variant. On other transcripts: 5 prime UTR variant (26), intron variant (2).
Genome position (GRCh38, 1-based): chr5:138,886,243, A>G. VCF-style: chr5-138886243-A-G. GRCh37 (hg19) VCF-style: chr5-138221932-A-G.
Other names: c.1094A>G (NM_001903.2); c.1094A>G, p.Asn365Ser (NM_001290307.3, NM_001323982.2, NM_001323983.1 and 3 more transcripts); c.785A>G, p.Asn262Ser (NM_001290309.3); c.725A>G, p.Asn242Ser (NM_001290310.3); c.-17A>G (NM_001290312.1, NM_001323987.1, NM_001323988.1 and 18 more transcripts); c.-414A>G (NM_001324006.1, NM_001324007.1, NM_001324008.1 and 1 more transcripts); c.-289A>G (NM_001324013.1); c.-58+10646A>G (NM_001324012.1); and 1 more; short protein forms N242S, N262S, N365S.
Identifiers: ClinVar variation 851738 (VCV000851738.8), dbSNP rs761743181, ClinGen allele CA3431860.